The following is an entry in ClinVar:

ClinVar aggregate classification (germline): Benign/Likely benign. Review status: criteria provided, multiple submitters, no conflicts (2 of 4 stars). 4 submissions from 4 submitters: Benign (1); Likely benign (3). Last evaluated 2025-07-24.

Conditions:
Hereditary cancer-predisposing syndrome. Also called: Neoplastic Syndromes, Hereditary; Tumor predisposition; Hereditary neoplastic syndrome; Hereditary Cancer Syndrome. Identifiers: Orphanet 140162, MedGen C0027672, MeSH D009386, MONDO:0015356.
Familial adenomatous polyposis 1 (FAP1). Also called: POLYPOSIS, ADENOMATOUS INTESTINAL; FAMILIAL ADENOMATOUS POLYPOSIS 1, ATTENUATED. Identifiers: MedGen C2713442, MONDO:0021056, OMIM 175100. Disease mechanism: loss of function.

Submissions (4):

Labcorp Genetics (formerly Invitae), Labcorp
Classification: Likely benign for Familial adenomatous polyposis 1. Last evaluated: 2025-07-24. Review status: criteria provided, single submitter. Criteria: Invitae Variant Classification Sherloc (09022015). Collection method: clinical testing. Allele origin: germline.

Myriad Genetics, Inc.
Classification: Benign for Familial adenomatous polyposis 1. Last evaluated: 2024-03-11. Review status: criteria provided, single submitter. Criteria: Myriad Autosomal Dominant, Autosomal Recessive and X-Linked Classification Criteria (2023). Collection method: clinical testing. Allele origin: unknown.
Comment: This variant is considered benign. This variant is a silent/synonymous amino acid change and it is not expected to impact splicing.

Ambry Genetics
Classification: Likely benign for Hereditary cancer-predisposing syndrome. Last evaluated: 2021-08-28. Review status: criteria provided, single submitter. Criteria: Ambry Variant Classification Scheme 2023. Collection method: clinical testing. Allele origin: germline.

Color Diagnostics, LLC DBA Color Health
Classification: Likely benign for Hereditary cancer-predisposing syndrome. Last evaluated: 2018-10-02. Review status: criteria provided, single submitter. Criteria: ACMG Guidelines, 2015. Collection method: clinical testing. Allele origin: germline.

NM_000038.6(APC):c.2292A>G (p.Leu764=)

Gene: APC (APC regulator of Wnt signaling pathway; plus strand). Cytogenetic location: 5q22.2.
Variant type: single nucleotide variant.
Coding change: c.2292A>G on transcript NM_000038.6 (MANE Select); coding-DNA position 2292, A replaced by G.
Protein change: p.Leu764=; no amino-acid change (leucine 764 retained).
Molecular consequence: synonymous variant.
Genome position (GRCh38, 1-based): chr5:112,837,886, A>G. VCF-style: chr5-112837886-A-G. GRCh37 (hg19) VCF-style: chr5-112173583-A-G.
Other names: c.2292A>G, p.Leu764= (NM_001127510.3, NM_001354895.2); c.2238A>G, p.Leu746= (NM_001127511.3); c.2346A>G, p.Leu782= (NM_001354896.2); c.2322A>G, p.Leu774= (NM_001354897.2); c.2217A>G, p.Leu739= (NM_001354898.2); c.2208A>G, p.Leu736= (NM_001354899.2); c.2169A>G, p.Leu723= (NM_001354900.2); c.2115A>G, p.Leu705= (NM_001354901.2); and 5 more.
Identifiers: ClinVar variation 629439 (VCV000629439.16), dbSNP rs1561575949, ClinGen allele CA445963328.